The following is an entry in ClinVar:

NM_001805.4(CEBPE):c.9C>G (p.His3Gln)

Gene: CEBPE (CCAAT enhancer binding protein epsilon; minus strand). Cytogenetic location: 14q11.2.
Variant type: single nucleotide variant.
Coding change: c.9C>G on transcript NM_001805.4 (MANE Select); coding-DNA position 9, C replaced by G.
Protein change: p.His3Gln; replaces histidine 3 with glutamine.
Molecular consequence: missense variant.
Genome position (GRCh38, 1-based): chr14:23,119,083, G>C on the plus strand (C>G on the coding strand, the complement: CEBPE is on the minus strand). VCF-style: chr14-23119083-G-C. GRCh37 (hg19) VCF-style: chr14-23588292-G-C.
Other names: short protein forms H3Q.
Identifiers: ClinVar variation 2973174 (VCV002973174.3), dbSNP rs769903476, ClinGen allele CA388954381.
Genomic context (GRCh38, chr14:23,119,083, plus strand): 5'-GCCCCCTGAGAACTCGAGTGGCTGCTGGCCACCCCGGGGCTCACACTCGTAGTAGGTCCC[G>C]TGGGACATGGCCGGCCCGCCCCCTCGGCTCCCCGCCCCCACCTGCTCTTGAGGCACCCCT-3'
Protein context (NP_001796.2, residues 1-13): MS[His3Gln]GTYYECEPRG

ClinVar aggregate classification (germline): Uncertain significance (1 of 4 stars; one submission).

Conditions:
Specific granule deficiency. Identifiers: Orphanet 169142, MedGen C0398593, MONDO:0009506.

Submission:

Labcorp Genetics (formerly Invitae), Labcorp
Classification: Uncertain significance for Specific granule deficiency. Last evaluated: 2026-01-02. Review status: criteria provided, single submitter. Criteria: Invitae Variant Classification Sherloc (09022015). Collection method: clinical testing. Allele origin: germline.
Comment: This sequence change replaces histidine, which is basic and polar, with glutamine, which is neutral and polar, at codon 3 of the CEBPE protein (p.His3Gln). This variant is present in population databases (no rsID available, gnomAD 0.001%). This variant has not been reported in the literature in individuals affected with CEBPE-related conditions. ClinVar contains an entry for this variant (Variation ID: 2973174). An algorithm developed to predict the effect of missense changes on protein structure and function (PolyPhen-2) suggests that this variant is likely to be tolerated. In summary, the available evidence is currently insufficient to determine the role of this variant in disease. Therefore, it has been classified as a Variant of Uncertain Significance.